The following is an entry in ClinVar:

ClinVar aggregate classification (germline): Uncertain significance (1 of 4 stars; one submission).

Allele frequency attached by ClinVar (database versions not stated): TOPMed 0.00001; gnomAD exomes 0.00001; gnomAD 0.00003.
gnomAD v4.1: 18 of 1,555,862 alleles (0.0012%); highest among the groups gnomAD compares: Admixed American, 0.0059%; no homozygotes.

Submission:

Labcorp Genetics (formerly Invitae), Labcorp
Classification: Uncertain significance. Last evaluated: 2025-10-11. Review status: criteria provided, single submitter. Criteria: Invitae Variant Classification Sherloc (09022015). Collection method: clinical testing. Allele origin: germline.
Comment: This sequence change replaces proline, which is neutral and non-polar, with threonine, which is neutral and polar, at codon 97 of the RELB protein (p.Pro97Thr). The frequency data for this variant in the population databases is considered unreliable, as metrics indicate poor data quality at this position in the gnomAD database. This variant has not been reported in the literature in individuals affected with RELB-related conditions. ClinVar contains an entry for this variant (Variation ID: 2721405). An algorithm developed to predict the effect of missense changes on protein structure and function (PolyPhen-2) suggests that this variant is likely to be tolerated. In summary, the available evidence is currently insufficient to determine the role of this variant in disease. Therefore, it has been classified as a Variant of Uncertain Significance.

NM_006509.4(RELB):c.289C>A (p.Pro97Thr)

Gene: RELB (RELB proto-oncogene, NF-kB subunit; plus strand). Cytogenetic location: 19q13.32.
Variant type: single nucleotide variant.
Coding change: c.289C>A on transcript NM_006509.4 (MANE Select); coding-DNA position 289, C replaced by A.
Protein change: p.Pro97Thr; replaces proline 97 with threonine.
Molecular consequence: missense variant.
Genome position (GRCh38, 1-based): chr19:45,012,061, C>A. VCF-style: chr19-45012061-C-A. GRCh37 (hg19) VCF-style: chr19-45515319-C-A.
Other names: c.280C>A, p.Pro94Thr (NM_001411087.1); short protein forms P97T, P94T.
Identifiers: ClinVar variation 2721405 (VCV002721405.3), dbSNP rs1389239418, ClinGen allele CA406322048.